The following is an entry in ClinVar:

NM_004036.5(ADCY3):c.3015C>A (p.Ser1005=)

Genes: ADCY3 (adenylate cyclase 3; minus strand), CENPO (centromere protein O; plus strand). Cytogenetic location: 2p23.3.
Variant type: single nucleotide variant.
Coding change: c.3015C>A on transcript NM_004036.5 (MANE Select); coding-DNA position 3015, C replaced by A.
Protein change: p.Ser1005=; no amino-acid change (serine 1005 retained).
Molecular consequence: synonymous variant. On other transcripts: 3 prime UTR variant (3), non-coding transcript variant (3).
Genome position (GRCh38, 1-based): chr2:24,821,629, G>T on the plus strand (C>A on the coding strand, the complement: ADCY3 is on the minus strand). VCF-style: chr2-24821629-G-T. GRCh37 (hg19) VCF-style: chr2-25044498-G-T.
Other names: c.3018C>A, p.Ser1006= (NM_001320613.2); c.3081C>A, p.Ser1027= (NM_001377128.1); c.2877C>A, p.Ser959= (NM_001377129.1); c.2463C>A, p.Ser821= (NM_001377130.1); c.2292C>A, p.Ser764= (NM_001377131.1); c.3015C>A, p.Ser1005= (NM_001377132.1); c.*2311G>T (NM_001199803.3, NM_001322101.2, NM_024322.4).
Identifiers: ClinVar variation 3345386 (VCV003345386.1).

ClinVar aggregate classification (germline): Likely benign (0 of 4 stars; one submission).

Conditions:
ADCY3-related disorder. Also called: ADCY3-related condition.

Submission:

PreventionGenetics, part of Exact Sciences
Classification: Likely benign for ADCY3-related condition. Last evaluated: 2024-09-04. Review status: no assertion criteria provided. Collection method: clinical testing. Allele origin: germline.
Comment: This variant is classified as likely benign based on ACMG/AMP sequence variant interpretation guidelines (Richards et al. 2015 PMID: 25741868, with internal and published modifications).